The following is an entry in ClinVar:

ClinVar aggregate classification (germline): Uncertain significance (1 of 4 stars; one submission).

Allele frequency attached by ClinVar (database versions not stated): TOPMed 0.00012; 1000 Genomes Project 30x 0.00047; 1000 Genomes Project 0.00060.
gnomAD v4.1: 269 of 1,614,126 alleles (0.017%); highest among the groups gnomAD compares: East Asian, 0.12%; no homozygotes.

Submission:

CeGaT Center for Human Genetics Tuebingen
Classification: Uncertain significance. Last evaluated: 2023-03-01. Review status: criteria provided, single submitter. Criteria: CeGaT Center For Human Genetics Tuebingen Variant Classification Criteria Version 2. Collection method: clinical testing. Allele origin: germline. Affected: yes. Observed: 1 variant allele.
Comment: DNAH3: PM2, BP4

NM_001347886.2(DNAH3):c.9214G>A (p.Ala3072Thr)

Gene: DNAH3 (dynein axonemal heavy chain 3; minus strand). Cytogenetic location: 16p12.3.
Variant type: single nucleotide variant.
Coding change: c.9214G>A on transcript NM_001347886.2 (MANE Select); coding-DNA position 9214, G replaced by A.
Protein change: p.Ala3072Thr; replaces alanine 3072 with threonine.
Molecular consequence: missense variant.
Genome position (GRCh38, 1-based): chr16:20,964,532, C>T on the plus strand (G>A on the coding strand, the complement: DNAH3 is on the minus strand). VCF-style: chr16-20964532-C-T. GRCh37 (hg19) VCF-style: chr16-20975854-C-T.
Other names: c.9352G>A, p.Ala3118Thr (NM_017539.2); short protein forms A3072T, A3118T.
Identifiers: ClinVar variation 2646291 (VCV002646291.24), dbSNP rs139454085, ClinGen allele CA7946294.